The following is an entry in ClinVar:

ClinVar aggregate classification (germline): Uncertain significance (1 of 4 stars; one submission).

Conditions:
Inborn genetic diseases. Identifiers: MedGen C0950123, MeSH D030342.

Submission:

Ambry Genetics
Classification: Uncertain significance for Inborn genetic diseases. Last evaluated: 2026-08-29. Review status: criteria provided, single submitter. Criteria: Ambry Variant Classification Scheme 2023. Collection method: clinical testing. Allele origin: germline.
Comment: The p.P1849S variant (also known as c.5545C>T), located in coding exon 21 of the FANCM gene, results from a C to T substitution at nucleotide position 5545. The proline at codon 1849 is replaced by serine, an amino acid with similar properties. This amino acid position is conserved. In addition, this alteration is predicted to be tolerated by in silico analysis. Based on the available evidence, the clinical significance of this variant remains unclear.

NM_020937.4(FANCM):c.5545C>T (p.Pro1849Ser)

Gene: FANCM (FA complementation group M; plus strand). Cytogenetic location: 14q21.2.
Variant type: single nucleotide variant.
Coding change: c.5545C>T on transcript NM_020937.4 (MANE Select); coding-DNA position 5545, C replaced by T.
Protein change: p.Pro1849Ser; replaces proline 1849 with serine.
Molecular consequence: missense variant.
Genome position (GRCh38, 1-based): chr14:45,196,376, C>T. VCF-style: chr14-45196376-C-T. GRCh37 (hg19) VCF-style: chr14-45665579-C-T.
Other names: c.5467C>T, p.Pro1823Ser (NM_001308133.2); short protein forms P1849S, P1823S.
Identifiers: ClinVar variation 5021527 (VCV005021527.1).
Genomic context (GRCh38, chr14:45,196,376, plus strand): 5'-TCTGGATTAGAAGTAATTTCTTCCCTAAGAGCAATTCATGGGTTGCAAGTAGAAGTTTGT[C>T]CTCTTAATGGCTGTGATTACATCGTGAGTAATCGCATGGTGGTGGAAAGGAGGTCTCAAT-3'
Protein context (NP_065988.1, residues 1839-1859): AIHGLQVEVC[Pro1849Ser]LNGCDYIVSN